The following is an entry in ClinVar:

ClinVar aggregate classification (germline): Uncertain significance (1 of 4 stars; one submission).

Conditions:
Rubinstein-Taybi syndrome due to EP300 haploinsufficiency. Also called: EP300-Related Rubinstein-Taybi Syndrome; RUBINSTEIN-TAYBI SYNDROME 2. Identifiers: Orphanet 353284, Orphanet 783, MedGen C3150941, MONDO:0013364, OMIM 613684.

Submission:

Labcorp Genetics (formerly Invitae), Labcorp
Classification: Uncertain significance for Rubinstein-Taybi syndrome due to EP300 haploinsufficiency. Last evaluated: 2023-05-11. Review status: criteria provided, single submitter. Criteria: Invitae Variant Classification Sherloc (09022015). Collection method: clinical testing. Allele origin: germline.
Comment: This sequence change replaces glycine, which is neutral and non-polar, with aspartic acid, which is acidic and polar, at codon 146 of the EP300 protein (p.Gly146Asp). This variant is not present in population databases (gnomAD no frequency). This variant has not been reported in the literature in individuals affected with EP300-related conditions. Advanced modeling of protein sequence and biophysical properties (such as structural, functional, and spatial information, amino acid conservation, physicochemical variation, residue mobility, and thermodynamic stability) performed at Invitae indicates that this missense variant is not expected to disrupt EP300 protein function. In summary, the available evidence is currently insufficient to determine the role of this variant in disease. Therefore, it has been classified as a Variant of Uncertain Significance.

NM_001429.4(EP300):c.437G>A (p.Gly146Asp)

Gene: EP300 (EP300 lysine acetyltransferase; plus strand). Cytogenetic location: 22q13.2.
Variant type: single nucleotide variant.
Coding change: c.437G>A on transcript NM_001429.4 (MANE Select); coding-DNA position 437, G replaced by A.
Protein change: p.Gly146Asp; replaces glycine 146 with aspartic acid.
Molecular consequence: missense variant.
Genome position (GRCh38, 1-based): chr22:41,117,529, G>A. VCF-style: chr22-41117529-G-A. GRCh37 (hg19) VCF-style: chr22-41513533-G-A.
Other names: c.437G>A, p.Gly146Asp (NM_001362843.2); short protein forms G146D.
Identifiers: ClinVar variation 2794850 (VCV002794850.3), dbSNP rs760595859, ClinGen allele CA411680717.